The following is an entry in ClinVar:

NM_001127222.2(CACNA1A):c.3052C>T (p.Arg1018Trp)

Gene: CACNA1A (calcium voltage-gated channel subunit alpha1 A; minus strand). Cytogenetic location: 19p13.13.
Variant type: single nucleotide variant.
Coding change: c.3052C>T on transcript NM_001127222.2 (MANE Select); coding-DNA position 3052, C replaced by T.
Protein change: p.Arg1018Trp; replaces arginine 1018 with tryptophan.
Molecular consequence: missense variant.
Genome position (GRCh38, 1-based): chr19:13,298,581, G>A on the plus strand (C>T on the coding strand, the complement: CACNA1A is on the minus strand). VCF-style: chr19-13298581-G-A. GRCh37 (hg19) VCF-style: chr19-13409395-G-A.
Other names: c.3064C>T, p.Arg1022Trp (NM_000068.4, NM_023035.3); c.3055C>T, p.Arg1019Trp (NM_001127221.2, NM_001174080.2); c.3055C>T (NM_001127221.1); short protein forms R1018W, R1019W, R1022W.
Identifiers: ClinVar variation 1013141 (VCV001013141.47), dbSNP rs772611976, ClinGen allele CA305506138.

ClinVar aggregate classification (germline): Uncertain significance. Review status: criteria provided, multiple submitters, no conflicts (2 of 4 stars). 6 submissions from 6 submitters: Uncertain significance (6). Last evaluated 2026-02-25.

Conditions:
CACNA1A-related disorder. Also called: CACNA1A-related condition.
Inborn genetic diseases. Identifiers: MedGen C0950123, MeSH D030342.
Episodic ataxia type 2 (EA2). Also called: CEREBELLAR ATAXIA, PAROXYSMAL, ACETAZOLAMIDE-RESPONSIVE; CEREBELLOPATHY, HEREDITARY PAROXYSMAL; EPISODIC ATAXIA, NYSTAGMUS-ASSOCIATED; ACETAZOLAMIDE-RESPONSIVE HEREDITARY PAROXYSMAL CEREBELLAR ATAXIA; ATAXIA, EPISODIC, WITH NYSTAGMUS; ATAXIA, FAMILIAL PAROXYSMAL. Identifiers: Orphanet 97, MedGen C1720416, MONDO:0007163, OMIM 108500.
Developmental and epileptic encephalopathy, 42 (DEE42A). Also called: Epileptic encephalopathy, early infantile, 42; DEVELOPMENTAL AND EPILEPTIC ENCEPHALOPATHY 42A; EPILEPTIC ENCEPHALOPATHY, EARLY INFANTILE, 42A. Identifiers: MedGen C4310716, MONDO:0014917, OMIM 617106.

Allele frequency attached by ClinVar (database versions not stated): gnomAD 0.00001; TOPMed 0.00001.

Submissions (6):

Ambry Genetics
Classification: Uncertain significance for Inborn genetic diseases. Last evaluated: 2026-02-25. Review status: criteria provided, single submitter. Criteria: Ambry Variant Classification Scheme 2023. Collection method: clinical testing. Allele origin: germline.

Women's Health and Genetics/Laboratory Corporation of America, LabCorp
Classification: Uncertain significance. Last evaluated: 2025-12-23. Review status: criteria provided, single submitter. Criteria: LabCorp Variant Classification Summary - May 2015. Collection method: clinical testing. Allele origin: germline.
Comment: Variant summary: CACNA1A c.3055C>T (p.Arg1019Trp) results in a non-conservative amino acid change in the encoded protein sequence. Algorithms developed to predict the effect of missense changes on protein structure and function are either unavailable or do not agree on the potential impact of this missense change. The variant allele was found at a frequency of 6.9e-06 in 145570 control chromosomes. The available data on variant occurrences in the general population are insufficient to allow any conclusion about variant significance. To our knowledge, no occurrence of c.3055C>T in individuals affected with CACNA1A-related conditions and no experimental evidence demonstrating its impact on protein function have been reported. ClinVar contains an entry for this variant (Variation ID: 1013141). Based on the evidence outlined above, the variant was classified as uncertain significance.

CeGaT Center for Human Genetics Tuebingen
Classification: Uncertain significance. Last evaluated: 2025-09-01. Review status: criteria provided, single submitter. Criteria: CeGaT Center For Human Genetics Tuebingen Variant Classification Criteria Version 2. Collection method: clinical testing. Allele origin: germline. Affected: yes. Observed: 3 variant alleles.
Comment: CACNA1A: PP3

GeneDx
Classification: Uncertain significance. Last evaluated: 2024-09-21. Review status: criteria provided, single submitter. Criteria: GeneDx Variant Classification Process June 2021. Collection method: clinical testing. Allele origin: germline. Affected: yes.
Comment: Not observed at significant frequency in large population cohorts (gnomAD); In silico analysis supports that this missense variant has a deleterious effect on protein structure/function; Has not been previously published as pathogenic or benign to our knowledge

Blueprint Genetics
Classification: Uncertain significance. Last evaluated: 2024-08-23. Review status: criteria provided, single submitter. Criteria: ACMG Guidelines, 2015. Collection method: clinical testing. Allele origin: germline.

Labcorp Genetics (formerly Invitae), Labcorp
Classification: Uncertain significance for Developmental and epileptic encephalopathy, 42; Episodic ataxia type 2. Last evaluated: 2023-10-13. Review status: criteria provided, single submitter. Criteria: Invitae Variant Classification Sherloc (09022015). Collection method: clinical testing. Allele origin: germline.
Comment: This sequence change replaces arginine, which is basic and polar, with tryptophan, which is neutral and slightly polar, at codon 1019 of the CACNA1A protein (p.Arg1019Trp). The frequency data for this variant in the population databases is considered unreliable, as metrics indicate poor data quality at this position in the gnomAD database. This variant has not been reported in the literature in individuals affected with CACNA1A-related conditions. ClinVar contains an entry for this variant (Variation ID: 1013141). Advanced modeling of protein sequence and biophysical properties (such as structural, functional, and spatial information, amino acid conservation, physicochemical variation, residue mobility, and thermodynamic stability) performed at Invitae indicates that this missense variant is not expected to disrupt CACNA1A protein function. In summary, the available evidence is currently insufficient to determine the role of this variant in disease. Therefore, it has been classified as a Variant of Uncertain Significance.